The following is an entry in ClinVar:

NM_198506.5(LRIT3):c.1034T>C (p.Val345Ala)

Gene: LRIT3 (leucine rich repeat, Ig-like and transmembrane domains 3; plus strand). Cytogenetic location: 4q25.
Variant type: single nucleotide variant.
Coding change: c.1034T>C on transcript NM_198506.5 (MANE Select); coding-DNA position 1034, T replaced by C.
Protein change: p.Val345Ala; replaces valine 345 with alanine.
Molecular consequence: missense variant.
Genome position (GRCh38, 1-based): chr4:109,869,783, T>C. VCF-style: chr4-109869783-T-C. GRCh37 (hg19) VCF-style: chr4-110790939-T-C.
Other names: short protein forms V345A.
Identifiers: ClinVar variation 1509412 (VCV001509412.6), dbSNP rs2125901495, ClinGen allele CA357870164.

ClinVar aggregate classification (germline): Uncertain significance (1 of 4 stars; one submission).

Allele frequency attached by ClinVar (database versions not stated): gnomAD exomes below 0.00001.

Submission:

Labcorp Genetics (formerly Invitae), Labcorp
Classification: Uncertain significance. Last evaluated: 2021-08-15. Review status: criteria provided, single submitter. Criteria: Invitae Variant Classification Sherloc (09022015). Collection method: clinical testing. Allele origin: germline.
Comment: This sequence change replaces valine with alanine at codon 345 of the LRIT3 protein (p.Val345Ala). The valine residue is highly conserved and there is a small physicochemical difference between valine and alanine. This variant is not present in population databases (ExAC no frequency). This variant has not been reported in the literature in individuals affected with LRIT3-related conditions. Algorithms developed to predict the effect of missense changes on protein structure and function are either unavailable or do not agree on the potential impact of this missense change (SIFT: "Deleterious"; PolyPhen-2: "Probably Damaging"; Align-GVGD: "Class C0"). In summary, the available evidence is currently insufficient to determine the role of this variant in disease. Therefore, it has been classified as a Variant of Uncertain Significance.